The following is an entry in ClinVar:

ClinVar aggregate classification (germline): Uncertain significance (1 of 4 stars; one submission).

Conditions:
Tuberous sclerosis 2 (TSC2). Identifiers: Orphanet 805, MedGen C1860707, MONDO:0013199, OMIM 613254.

Submission:

Labcorp Genetics (formerly Invitae), Labcorp
Classification: Uncertain significance for Tuberous sclerosis 2. Last evaluated: 2021-09-23. Review status: criteria provided, single submitter. Criteria: Invitae Variant Classification Sherloc (09022015). Collection method: clinical testing. Allele origin: germline.
Comment: In summary, the available evidence is currently insufficient to determine the role of this variant in disease. Therefore, it has been classified as a Variant of Uncertain Significance. This variant has not been reported in the literature in individuals affected with TSC2-related conditions. This variant is not present in population databases (ExAC no frequency). This sequence change creates a premature translational stop signal (p.Glu973*) in the TSC2 gene. Loss-of-function variants in TSC2 are known to be pathogenic (PMID: 10205261, 17304050). However, tissue-specific alternative splicing of TSC2 gene results in a functional isoform lacking in-frame exon 26 (also known as exon 25, PMID: 26703369). For this reason the clinical significance of loss of function variants in exon 26 is currently uncertain.

Literature cited by the submitters: PubMed 10205261; PubMed 17304050.

NM_000548.5(TSC2):c.2917G>T (p.Glu973Ter)

Gene: TSC2 (TSC complex subunit 2; plus strand). Cytogenetic location: 16p13.3.
Variant type: single nucleotide variant.
Coding change: c.2917G>T on transcript NM_000548.5 (MANE Select); coding-DNA position 2917, G replaced by T.
Protein change: p.Glu973Ter; replaces glutamic acid 973 with a stop codon.
Molecular consequence: nonsense. On other transcripts: intron variant (9).
Genome position (GRCh38, 1-based): chr16:2,077,677, G>T. VCF-style: chr16-2077677-G-T. GRCh37 (hg19) VCF-style: chr16-2127678-G-T.
Other names: c.2917G>T, p.Glu973Ter (NM_001114382.3); c.2837+1092G>T (NM_021055.3, NM_001370405.1, NM_001363528.2 and 2 more transcripts); c.2726+1092G>T (NM_001318827.2); c.2237+1092G>T (NM_001318831.2); c.2690+1092G>T (NM_001318829.2); c.2870+1092G>T (NM_001318832.2); short protein forms E973*.
Identifiers: ClinVar variation 1520782 (VCV001520782.6), dbSNP rs780981335, ClinGen allele CA394281296.